The following is an entry in ClinVar:

NM_020750.3(XPO5):c.3313-4T>A

Genes: POLR1C (RNA polymerase I and III subunit C; plus strand), XPO5 (exportin 5; minus strand). Cytogenetic location: 6p21.1.
Variant type: single nucleotide variant.
Coding change: c.3313-4T>A on transcript NM_020750.3 (MANE Select); 4 bases into the intron before coding-DNA position 3313, T replaced by A.
Molecular consequence: intron variant.
Genome position (GRCh38, 1-based): chr6:43,524,639, A>T on the plus strand (T>A on the coding strand, the complement: XPO5 is on the minus strand). VCF-style: chr6-43524639-A-T. GRCh37 (hg19) VCF-style: chr6-43492377-A-T.
Other names: c.922+3591A>T (NM_001363658.2, NM_001318876.2).
Identifiers: ClinVar variation 2746911 (VCV002746911.5), dbSNP rs778510766, ClinGen allele CA3825812.

ClinVar aggregate classification (germline): Likely benign. Review status: criteria provided, single submitter (1 of 4 stars). 2 submissions from 2 submitters: Likely benign (1). 1 of the submissions does not count toward it. Last evaluated 2024-06-04.

Conditions:
XPO5-related disorder. Also called: XPO5-related condition.

Allele frequency attached by ClinVar (database versions not stated): ExAC 0.00003.
gnomAD v4.1: 223 of 1,613,370 alleles (0.014%); highest among the groups gnomAD compares: Non-Finnish European, 0.018%; no homozygotes.

Submissions (2):

Labcorp Genetics (formerly Invitae), Labcorp
Classification: Likely benign. Last evaluated: 2024-06-04. Review status: criteria provided, single submitter. Criteria: Invitae Variant Classification Sherloc (09022015). Collection method: clinical testing. Allele origin: germline.

PreventionGenetics, part of Exact Sciences
Classification: Likely benign for XPO5-related condition. Last evaluated: 2019-05-09. Review status: no assertion criteria provided. Collection method: clinical testing. Allele origin: germline. Not counted in ClinVar's aggregate classification.
Comment: This variant is classified as likely benign based on ACMG/AMP sequence variant interpretation guidelines (Richards et al. 2015 PMID: 25741868, with internal and published modifications).